The following is an entry in ClinVar:

NM_003235.5(TG):c.993G>C (p.Gln331His)

Gene: TG (thyroglobulin; plus strand). Cytogenetic location: 8q24.22.
Variant type: single nucleotide variant.
Coding change: c.993G>C on transcript NM_003235.5 (MANE Select); coding-DNA position 993, G replaced by C.
Protein change: p.Gln331His; replaces glutamine 331 with histidine.
Molecular consequence: missense variant.
Genome position (GRCh38, 1-based): chr8:132,882,917, G>C. VCF-style: chr8-132882917-G-C. GRCh37 (hg19) VCF-style: chr8-133895162-G-C.
Other names: short protein forms Q331H.
Identifiers: ClinVar variation 909063 (VCV000909063.8), dbSNP rs61745783, ClinGen allele CA4883079.

ClinVar aggregate classification (germline): Uncertain significance. Review status: criteria provided, multiple submitters, no conflicts (2 of 4 stars). 4 submissions from 4 submitters: Uncertain significance (4). Last evaluated 2026-06-05.

Conditions:
Iodotyrosyl coupling defect (TDH3). Also called: THYROID HORMONOGENESIS, GENETIC DEFECT IN, 3; HYPOTHYROIDISM, CONGENITAL, DUE TO DYSHORMONOGENESIS, 3. Identifiers: Orphanet 95716, MedGen C0342194, MONDO:0010135, OMIM 274700.
Inborn genetic diseases. Identifiers: MedGen C0950123, MeSH D030342.
Autoimmune thyroid disease, susceptibility to, 3. Identifiers: MedGen C1842444, MONDO:0011982, OMIM 608175.

Allele frequency attached by ClinVar (database versions not stated): ESP Exome Variant Server 0.00008; ExAC 0.00023; gnomAD exomes 0.00025 and 0.00032; gnomAD 0.00027 and 0.00028; TOPMed 0.00028.
gnomAD v4.1: 516 of 1,614,102 alleles (0.032%); highest among the groups gnomAD compares: Admixed American, 0.042%; no homozygotes.

Submissions (4):

Women's Health and Genetics/Laboratory Corporation of America, LabCorp
Classification: Uncertain significance. Last evaluated: 2026-06-05. Review status: criteria provided, single submitter. Criteria: LabCorp Variant Classification Summary - May 2015. Collection method: clinical testing. Allele origin: germline.
Comment: Variant summary: TG c.993G>C (p.Gln331His) results in a non-conservative amino acid change in the encoded protein sequence. Algorithms developed to predict the effect of missense changes on protein structure and function are either unavailable or do not agree on the potential impact of this missense change. The variant allele was found at a frequency of 0.00025 in 251420 control chromosomes. This frequency is not significantly higher than estimated for disease-causing variants in TG, allowing no conclusion about variant significance. c.993G>C has been observed in at least one compound heterozygous individual affected with congenital hypothyroidism due to thyroid dysgenesis (example: Larrivee-Vanier S_2022). This report does not provide unequivocal conclusions about association of the variant with disease. To our knowledge, no experimental evidence demonstrating an impact on protein function has been reported. The following publication has been ascertained in the context of this evaluation (PMID: 35272499). ClinVar contains an entry for this variant (Variation ID: 909063). Based on the evidence outlined above, the variant was classified as uncertain significance.

Fulgent Genetics
Classification: Uncertain significance for Iodotyrosyl coupling defect; Autoimmune thyroid disease, susceptibility to, 3. Last evaluated: 2021-09-23. Review status: criteria provided, single submitter. Criteria: ACMG Guidelines, 2015. Collection method: clinical testing. Allele origin: unknown.

Ambry Genetics
Classification: Uncertain significance for Inborn genetic diseases. Last evaluated: 2021-09-16. Review status: criteria provided, single submitter. Criteria: Ambry Variant Classification Scheme 2023. Collection method: clinical testing. Allele origin: germline.

Illumina Laboratory Services, Illumina
Classification: Uncertain significance for Iodotyrosyl coupling defect. Last evaluated: 2018-05-17. Review status: criteria provided, single submitter. Criteria: ICSL Variant Classification Criteria 13 December 2019. Collection method: clinical testing. Allele origin: germline.

Literature cited by the submitters: PubMed 35272499 (cited by Women's Health and Genetics/Laboratory Corporation of America, LabCorp).